The following is an entry in ClinVar:

NM_057175.5(NAA15):c.1087+7C>T

Gene: NAA15 (N-alpha-acetyltransferase 15, NatA auxiliary subunit; plus strand). Cytogenetic location: 4q31.1.
Variant type: single nucleotide variant.
Coding change: c.1087+7C>T on transcript NM_057175.5 (MANE Select); 7 bases into the intron after coding-DNA position 1087, C replaced by T.
Molecular consequence: intron variant.
Genome position (GRCh38, 1-based): chr4:139,354,105, C>T. VCF-style: chr4-139354105-C-T. GRCh37 (hg19) VCF-style: chr4-140275259-C-T.
Other names: c.1087+7C>T (NM_001410842.1).
Identifiers: ClinVar variation 3058036 (VCV003058036.2), dbSNP rs1747866194, ClinGen allele CA1068683722.

ClinVar aggregate classification (germline): Likely benign (0 of 4 stars; one submission).

Conditions:
NAA15-related disorder.

Allele frequency attached by ClinVar (database versions not stated): TOPMed below 0.00001; gnomAD 0.00001.
gnomAD v4.1: 1 of 1,607,546 alleles (0.000062%); highest among the groups gnomAD compares: African/African-American, 0.0013%; no homozygotes.

Submission:

PreventionGenetics, part of Exact Sciences
Classification: Likely benign for NAA15-related condition. Last evaluated: 2019-03-12. Review status: no assertion criteria provided. Collection method: clinical testing. Allele origin: germline.
Comment: This variant is classified as likely benign based on ACMG/AMP sequence variant interpretation guidelines (Richards et al. 2015 PMID: 25741868, with internal and published modifications).